The following is an entry in ClinVar:

NM_004086.3(COCH):c.152C>A (p.Pro51Gln)

Genes: COCH (cochlin; plus strand), COCH-AS1 (COCH antisense RNA 1; minus strand). Cytogenetic location: 14q12.
Variant type: single nucleotide variant.
Coding change: c.152C>A on transcript NM_004086.3 (MANE Select); coding-DNA position 152, C replaced by A.
Protein change: p.Pro51Gln; replaces proline 51 with glutamine.
Molecular consequence: missense variant.
Genome position (GRCh38, 1-based): chr14:30,877,641, C>A. VCF-style: chr14-30877641-C-A. GRCh37 (hg19) VCF-style: chr14-31346847-C-A.
Other names: c.152C>A, p.Pro51Gln (NM_001135058.2); c.347C>A, p.Pro116Gln (NM_001347720.2); short protein forms P116Q, P51Q.
Identifiers: ClinVar variation 3601053 (VCV003601053.1).

ClinVar aggregate classification (germline): Likely pathogenic (1 of 4 stars; one submission).

Conditions:
Autosomal dominant nonsyndromic hearing loss 9. Identifiers: Orphanet 90635, MedGen C1832425, MONDO:0011058, OMIM 601369.

Submission:

Institute of Rare Diseases, West China Hospital, Sichuan University
Classification: Likely pathogenic for Autosomal dominant nonsyndromic hearing loss 9. Last evaluated: 2025-01-09. Review status: criteria provided, single submitter. Criteria: ClinGen HL ACMG Specifications v1. Collection method: research. Allele origin: germline. Affected: yes.
Comment: PM1;PM5;PM2_Supporting;PP3